The following is an entry in ClinVar:

ClinVar aggregate classification (germline): Pathogenic (1 of 4 stars; one submission).

Submission:

Labcorp Genetics (formerly Invitae), Labcorp
Classification: Pathogenic. Last evaluated: 2025-08-18. Review status: criteria provided, single submitter. Criteria: Invitae Variant Classification Sherloc (09022015). Collection method: clinical testing. Allele origin: germline.
Comment: This sequence change creates a premature translational stop signal (p.Ala1146Glyfs*53) in the ADAMTS13 gene. It is expected to result in an absent or disrupted protein product. Loss-of-function variants in ADAMTS13 are known to be pathogenic (PMID: 11586351, 12753286, 21781265). This variant is not present in population databases (gnomAD no frequency). This variant has not been reported in the literature in individuals affected with ADAMTS13-related conditions. For these reasons, this variant has been classified as Pathogenic.

Literature cited by the submitters: PubMed 11586351; PubMed 12753286; PubMed 21781265.

NM_139027.6(ADAMTS13):c.3400+36dup

Gene: ADAMTS13 (ADAM metallopeptidase with thrombospondin type 1 motif 13; plus strand). Cytogenetic location: 9q34.2.
Variant type: Duplication.
Coding change: c.3400+36dup on transcript NM_139027.6 (MANE Select); 36 bases into the intron after coding-DNA position 3400, one base duplicated (G; older notation c.3400+36dupG).
Molecular consequence: intron variant. On other transcripts: frameshift variant (1).
Genome position (GRCh38, 1-based): chr9:133,455,471, G duplicated. VCF-style (leftmost placement, unchanged base first): chr9-133455470-T-TG. GRCh37 (hg19) VCF-style: chr9-136320592-T-TG.
Other names: c.3436dup, p.Ala1146fs (NM_139025.5); c.3307+36dup (NM_139026.6); short protein forms A1146fs.
Identifiers: ClinVar variation 4725390 (VCV004725390.1).